The following is an entry in ClinVar:

NM_020928.2(ZSWIM6):c.1387G>T (p.Ala463Ser)

Gene: ZSWIM6 (zinc finger SWIM-type containing 6; plus strand). Cytogenetic location: 5q12.1.
Variant type: single nucleotide variant.
Coding change: c.1387G>T on transcript NM_020928.2 (MANE Select); coding-DNA position 1387, G replaced by T.
Protein change: p.Ala463Ser; replaces alanine 463 with serine.
Molecular consequence: missense variant.
Genome position (GRCh38, 1-based): chr5:61,521,316, G>T. VCF-style: chr5-61521316-G-T. GRCh37 (hg19) VCF-style: chr5-60817143-G-T.
Other names: short protein forms A463S.
Identifiers: ClinVar variation 3647794 (VCV003647794.2).

ClinVar aggregate classification (germline): Uncertain significance (1 of 4 stars; one submission).

Submission:

Labcorp Genetics (formerly Invitae), Labcorp
Classification: Uncertain significance. Last evaluated: 2024-03-27. Review status: criteria provided, single submitter. Criteria: Invitae Variant Classification Sherloc (09022015). Collection method: clinical testing. Allele origin: germline.
Comment: This sequence change replaces alanine, which is neutral and non-polar, with serine, which is neutral and polar, at codon 463 of the ZSWIM6 protein (p.Ala463Ser). This variant is not present in population databases (gnomAD no frequency). This variant has not been reported in the literature in individuals affected with ZSWIM6-related conditions. Advanced modeling of protein sequence and biophysical properties (such as structural, functional, and spatial information, amino acid conservation, physicochemical variation, residue mobility, and thermodynamic stability) performed at Invitae indicates that this missense variant is not expected to disrupt ZSWIM6 protein function with a negative predictive value of 80%. In summary, the available evidence is currently insufficient to determine the role of this variant in disease. Therefore, it has been classified as a Variant of Uncertain Significance.